The following is an entry in ClinVar:

NC_000012.11:g.(?_2162729)_(2800365_?)dup

Gene: CACNA1C (calcium voltage-gated channel subunit alpha1 C; plus strand). Cytogenetic location: 12p13.33.
Variant type: Duplication.
Identifiers: ClinVar variation 1409910 (VCV001409910.5).

ClinVar aggregate classification (germline): Uncertain significance (1 of 4 stars; one submission).

Conditions:
Long QT syndrome (LQTS). Identifiers: MedGen C0023976, MeSH D008133, MONDO:0002442. Disease mechanism: loss of function. Inheritance: Various modes of inheritance.

Submission:

Labcorp Genetics (formerly Invitae), Labcorp
Classification: Uncertain significance for Long QT syndrome. Last evaluated: 2023-11-28. Review status: criteria provided, single submitter. Criteria: Invitae Variant Classification Sherloc (09022015). Collection method: clinical testing. Allele origin: germline.
Comment: A copy number gain of the genomic region encompassing the full coding sequence of the CACNA1C gene has been identified. The boundaries of this event are unknown as they extend beyond the assayed region for this gene and therefore may encompass additional genes. As the precise location of this event is unknown, it may be in tandem or it may be located elsewhere in the genome. A similar copy number variant has been observed in individual(s) with clinical features of CACNA1C-related conditions (PMID: 26551885). In summary, the available evidence is currently insufficient to determine the role of this variant in disease. Therefore, it has been classified as a Variant of Uncertain Significance.

Literature cited by the submitters: PubMed 26551885.